The following is an entry in ClinVar:

NM_000414.4(HSD17B4):c.1690_1691delinsCT (p.Ala564Leu)

Gene: HSD17B4 (hydroxysteroid 17-beta dehydrogenase 4; plus strand). Cytogenetic location: 5q23.1.
Variant type: Indel.
Coding change: c.1690_1691delinsCT on transcript NM_000414.4 (MANE Select); coding-DNA positions 1690 to 1691, GC replaced by CT.
Protein change: p.Ala564Leu; replaces alanine 564 with leucine.
Molecular consequence: missense variant. On other transcripts: non-coding transcript variant (2).
Genome position (GRCh38, 1-based): chr5:119,527,142-119,527,143, GC replaced by CT. VCF-style: chr5-119527142-GC-CT. GRCh37 (hg19) VCF-style: chr5-118862837-GC-CT.
Other names: c.1765_1766delinsCT, p.Ala589Leu (NM_001199291.3); c.1636_1637delinsCT, p.Ala546Leu (NM_001199292.2); c.1618_1619delinsCT, p.Ala540Leu (NM_001292027.2, NM_001374498.1); c.1270_1271delinsCT, p.Ala424Leu (NM_001292028.2); c.1681_1682delinsCT, p.Ala561Leu (NM_001374497.1); c.1363_1364delinsCT, p.Ala455Leu (NM_001374499.1); c.1249_1250delinsCT, p.Ala417Leu (NM_001374500.1); c.1279_1280delinsCT, p.Ala427Leu (NM_001374501.1, NM_001374502.1, NM_001374503.1); short protein forms A455L, A540L, A546L, A417L, A427L, A561L, A589L, A424L.
Identifiers: ClinVar variation 2176670 (VCV002176670.2), dbSNP rs2531921968, ClinGen allele CA2580072433.

ClinVar aggregate classification (germline): Uncertain significance (1 of 4 stars; one submission).

Conditions:
Bifunctional peroxisomal enzyme deficiency (DBIF). Also called: DBP DEFICIENCY; PBFE DEFICIENCY; D-bifunctional protein deficiency. Identifiers: Orphanet 300, MedGen C0342870, MONDO:0009855, OMIM 261515. Disease mechanism: loss of function.
Perrault syndrome. Also called: Gonadal dysgenesis with auditory dysfunction, autosomal recessive inheritance. Identifiers: Orphanet 2855, MedGen C0685838, MONDO:0017312.

Submission:

Labcorp Genetics (formerly Invitae), Labcorp
Classification: Uncertain significance for Perrault syndrome; Bifunctional peroxisomal enzyme deficiency. Last evaluated: 2025-04-28. Review status: criteria provided, single submitter. Criteria: Invitae Variant Classification Sherloc (09022015). Collection method: clinical testing. Allele origin: germline.
Comment: This sequence change replaces alanine, which is neutral and non-polar, with leucine, which is neutral and non-polar, at codon 564 of the HSD17B4 protein (p.Ala564Leu). Information on the frequency of this variant in the gnomAD database is not available, as this variant may be reported differently in the database. This variant has not been reported in the literature in individuals affected with HSD17B4-related conditions. ClinVar contains an entry for this variant (Variation ID: 2176670). An algorithm developed to predict the effect of missense changes on protein structure and function (PolyPhen-2) suggests that this variant is likely to be disruptive. In summary, the available evidence is currently insufficient to determine the role of this variant in disease. Therefore, it has been classified as a Variant of Uncertain Significance.